The following is an entry in ClinVar:

NM_001199397.3(NEK1):c.1161_1162insC (p.Glu388fs)

Gene: NEK1 (NIMA related kinase 1; minus strand). Cytogenetic location: 4q33.
Variant type: Insertion.
Coding change: c.1161_1162insC on transcript NM_001199397.3 (MANE Select); coding-DNA positions 1161 to 1162, C inserted.
Protein change: p.Glu388fs; shifts the reading frame from glutamic acid 388.
Molecular consequence: frameshift variant. On other transcripts: non-coding transcript variant (2), intron variant (2).
Genome position: GRCh38 VCF-style: chr4-169561716-C-CG. GRCh37 (hg19) VCF-style: chr4-170482867-C-CG.
Other names: c.1161_1162insC, p.Glu388fs (NM_001199398.3, NM_001199399.3, NM_001199400.3 and 5 more transcripts); c.1140+115_1140+116insC (NM_001374421.1, NM_001374420.1); short protein forms E388fs.
Identifiers: ClinVar variation 2585131 (VCV002585131.1), dbSNP rs765296153, ClinGen allele CA3137823.

ClinVar aggregate classification (germline): Likely pathogenic (1 of 4 stars; one submission).

Conditions:
Short-rib thoracic dysplasia 6 with or without polydactyly (SRTD6). Also called: Majewski Syndrome; POLYDACTYLY WITH NEONATAL CHONDRODYSTROPHY, TYPE II; SHORT-RIB THORACIC DYSPLASIA 6 WITH POLYDACTYLY; SHORT-RIB THORACIC DYSPLASIA 6 WITHOUT POLYDACTYLY; SHORT RIB-POLYDACTYLY SYNDROME, TYPE IIA. Identifiers: MedGen C0024507, MONDO:0009894, OMIM 263520.

Submission:

Neuberg Centre For Genomic Medicine, NCGM
Classification: Likely pathogenic for Short-rib thoracic dysplasia 6 with or without polydactyly. Review status: criteria provided, single submitter. Criteria: ACMG Guidelines, 2015. Collection method: clinical testing. Allele origin: germline. Inheritance: Autosomal recessive inheritance. Affected: yes.
Comment: The frameshift variant c.1161_1162insC (p.Glu388ArgfsTer16) in the NEK1 gene has not been reported previously as a pathogenic variant nor as a benign variant, to our knowledge. The variant is novel (not in any individuals) in gnomAD Exomes and 1000 Genomes. This variant is predicted to cause loss of normal protein function through protein truncation. Loss of function variants have been previously reported to be disease causing. For these reasons, this variant has been classified as Likely Pathogenic.